The following is an entry in ClinVar:

NM_002972.4(SBF1):c.157G>A (p.Gly53Arg)

Gene: SBF1 (SET binding factor 1; minus strand). Cytogenetic location: 22q13.33.
Variant type: single nucleotide variant.
Coding change: c.157G>A on transcript NM_002972.4 (MANE Select); coding-DNA position 157, G replaced by A.
Protein change: p.Gly53Arg; replaces glycine 53 with arginine.
Molecular consequence: missense variant.
Genome position (GRCh38, 1-based): chr22:50,467,908, C>T on the plus strand (G>A on the coding strand, the complement: SBF1 is on the minus strand). VCF-style: chr22-50467908-C-T. GRCh37 (hg19) VCF-style: chr22-50906337-C-T.
Other names: c.157G>A, p.Gly53Arg (NM_001410794.1, NM_001410795.1, NM_197971.1 and 1 more transcripts); short protein forms G53R.
Identifiers: ClinVar variation 2901339 (VCV002901339.1), dbSNP rs772333742, ClinGen allele CA412224437.

ClinVar aggregate classification (germline): Uncertain significance (1 of 4 stars; one submission).

Allele frequency attached by ClinVar (database versions not stated): TOPMed below 0.00001; gnomAD 0.00001.
gnomAD v4.1: 12 of 1,613,762 alleles (0.00074%); highest among the groups gnomAD compares: Admixed American, 0.0033%; no homozygotes.

Submission:

Labcorp Genetics (formerly Invitae), Labcorp
Classification: Uncertain significance. Last evaluated: 2023-08-01. Review status: criteria provided, single submitter. Criteria: Invitae Variant Classification Sherloc (09022015). Collection method: clinical testing. Allele origin: germline.
Comment: In summary, the available evidence is currently insufficient to determine the role of this variant in disease. Therefore, it has been classified as a Variant of Uncertain Significance. Advanced modeling of protein sequence and biophysical properties (such as structural, functional, and spatial information, amino acid conservation, physicochemical variation, residue mobility, and thermodynamic stability) performed at Invitae indicates that this missense variant is expected to disrupt SBF1 protein function. This variant has not been reported in the literature in individuals affected with SBF1-related conditions. This variant is present in population databases (no rsID available, gnomAD 0.007%). This sequence change replaces glycine, which is neutral and non-polar, with arginine, which is basic and polar, at codon 53 of the SBF1 protein (p.Gly53Arg).